The following is an entry in ClinVar:

ClinVar aggregate classification (germline): Uncertain significance. Review status: criteria provided, multiple submitters, no conflicts (2 of 4 stars). 4 submissions from 4 submitters: Uncertain significance (4). Last evaluated 2026-01-06.

Conditions:
Familial isolated arrhythmogenic right ventricular dysplasia. Identifiers: Orphanet 217656, MedGen C4274968, MONDO:0016342.
Cardiovascular phenotype. Identifiers: MedGen CN230736.
Cardiomyopathy (CMYO). Also called: Cardiomyopathies. Identifiers: Orphanet 167848, MedGen C0878544, MONDO:0004994, HP:0001638. Inheritance: Various modes of inheritance.
Arrhythmogenic right ventricular dysplasia 11. Also called: Arrhythmogenic right ventricular dysplasia 11 with mild palmoplantar keratoderma and woolly hair; Arrhythmogenic Right Ventricular Dysplasia/Cardiomyopathy11; ARRHYTHMOGENIC RIGHT VENTRICULAR DYSPLASIA, FAMILIAL, 11. Identifiers: MedGen C1864850, MONDO:0012506, OMIM 610476.

Allele frequency attached by ClinVar (database versions not stated): gnomAD exomes 0.00001.
gnomAD v4.1: 4 of 1,613,974 alleles (0.00025%); highest among the groups gnomAD compares: Non-Finnish European, 0.00034%; no homozygotes.

Submissions (4):

Labcorp Genetics (formerly Invitae), Labcorp
Classification: Uncertain significance for Arrhythmogenic right ventricular dysplasia 11. Last evaluated: 2026-01-06. Review status: criteria provided, single submitter. Criteria: Invitae Variant Classification Sherloc (09022015). Collection method: clinical testing. Allele origin: germline.
Comment: This sequence change replaces isoleucine, which is neutral and non-polar, with threonine, which is neutral and polar, at codon 566 of the DSC2 protein (p.Ile566Thr). This variant is present in population databases (no rsID available, gnomAD 0.003%). This variant has not been reported in the literature in individuals affected with DSC2-related conditions. ClinVar contains an entry for this variant (Variation ID: 573988). Invitae Evidence Modeling of protein sequence and biophysical properties (such as structural, functional, and spatial information, amino acid conservation, physicochemical variation, residue mobility, and thermodynamic stability) indicates that this missense variant is not expected to disrupt DSC2 protein function with a negative predictive value of 80%. In summary, the available evidence is currently insufficient to determine the role of this variant in disease. Therefore, it has been classified as a Variant of Uncertain Significance.

Ambry Genetics
Classification: Uncertain significance for Cardiovascular phenotype. Last evaluated: 2024-12-20. Review status: criteria provided, single submitter. Criteria: Ambry Variant Classification Scheme 2023. Collection method: clinical testing. Allele origin: germline.
Comment: The p.I566T variant (also known as c.1697T>C), located in coding exon 12 of the DSC2 gene, results from a T to C substitution at nucleotide position 1697. The isoleucine at codon 566 is replaced by threonine, an amino acid with similar properties. This amino acid position is conserved. In addition, this alteration is predicted to be tolerated by in silico analysis. Based on the available evidence, the clinical significance of this variant remains unclear.

Color Diagnostics, LLC DBA Color Health
Classification: Uncertain significance for Cardiomyopathy. Last evaluated: 2024-03-06. Review status: criteria provided, single submitter. Criteria: ACMG Guidelines, 2015. Collection method: clinical testing. Allele origin: germline.
Comment: This missense variant replaces isoleucine with threonine at codon 566 of the DSC2 protein. Computational prediction suggests that this variant may not impact protein structure and function (internally defined REVEL score threshold <= 0.5, PMID: 27666373). To our knowledge, functional studies have not been reported for this variant. This variant has not been reported in individuals affected with cardiovascular disorders in the literature. This variant has been identified in 2/250832 chromosomes in the general population by the Genome Aggregation Database (gnomAD). The available evidence is insufficient to determine the role of this variant in disease conclusively. Therefore, this variant is classified as a Variant of Uncertain Significance.

All of Us Research Program, National Institutes of Health
Classification: Uncertain significance for Familial isolated arrhythmogenic right ventricular dysplasia. Last evaluated: 2023-12-14. Review status: criteria provided, single submitter. Criteria: ACMG Guidelines, 2015. Collection method: clinical testing. Allele origin: germline. Inheritance: Autosomal dominant inheritance. Observed: 3 variant alleles, 3 heterozygotes.
Comment: This missense variant replaces isoleucine with threonine at codon 566 of the DSC2 protein. Computational prediction suggests that this variant may not impact protein structure and function (internally defined REVEL score threshold <= 0.5, PMID: 27666373). To our knowledge, functional studies have not been reported for this variant. This variant has not been reported in individuals affected with cardiovascular disorders in the literature. This variant has been identified in 2/250832 chromosomes in the general population by the Genome Aggregation Database (gnomAD). The available evidence is insufficient to determine the role of this variant in disease conclusively. Therefore, this variant is classified as a Variant of Uncertain Significance.

This study involves interpretation of variants in research participants for the purpose of population health screening. Participant phenotype was not available at the time of variant classification. Additional details can be found in publication PMID: 35346344, PMCID: PMC8962531

NM_024422.6(DSC2):c.1697T>C (p.Ile566Thr)

Gene: DSC2 (desmocollin 2; minus strand). Cytogenetic location: 18q12.1.
Variant type: single nucleotide variant.
Coding change: c.1697T>C on transcript NM_024422.6 (MANE Select); coding-DNA position 1697, T replaced by C.
Protein change: p.Ile566Thr; replaces isoleucine 566 with threonine.
Molecular consequence: missense variant.
Genome position (GRCh38, 1-based): chr18:31,074,874, A>G on the plus strand (T>C on the coding strand, the complement: DSC2 is on the minus strand). VCF-style: chr18-31074874-A-G. GRCh37 (hg19) VCF-style: chr18-28654840-A-G.
Other names: c.1697T>C, p.Ile566Thr (NM_004949.5); c.1697T>C (NM_024422.3); short protein forms I566T.
Identifiers: ClinVar variation 573988 (VCV000573988.15), dbSNP rs1399123480, ClinGen allele CA402114390.